The following is an entry in ClinVar:

ClinVar aggregate classification (germline): Uncertain significance. Review status: criteria provided, multiple submitters, no conflicts (2 of 4 stars). 3 submissions from 3 submitters: Uncertain significance (2). 1 of the submissions does not count toward it. Last evaluated 2025-11-10.

Conditions:
GRIN1-related disorder. Also called: GRIN1-related condition.
Inborn genetic diseases. Identifiers: MedGen C0950123, MeSH D030342.
Neurodevelopmental disorder with or without hyperkinetic movements and seizures, autosomal dominant. Also called: Intellectual disability, autosomal dominant 8. Identifiers: MedGen C3280282, MONDO:0013655, OMIM 614254.

Allele frequency attached by ClinVar (database versions not stated): gnomAD 0.00001; TOPMed 0.00001; ESP Exome Variant Server 0.00008.
gnomAD v4.1: 5 of 1,612,690 alleles (0.00031%); highest among the groups gnomAD compares: East Asian, 0.0045%; no homozygotes.

Submissions (3):

Labcorp Genetics (formerly Invitae), Labcorp
Classification: Uncertain significance for Neurodevelopmental disorder with or without hyperkinetic movements and seizures, autosomal dominant. Last evaluated: 2025-11-10. Review status: criteria provided, single submitter. Criteria: Invitae Variant Classification Sherloc (09022015). Collection method: clinical testing. Allele origin: germline.
Comment: This sequence change falls in intron 8 of the GRIN1 gene. It does not directly change the encoded amino acid sequence of the GRIN1 protein. It affects a nucleotide within the consensus splice site. This variant is present in population databases (rs200368768, gnomAD 0.02%). This variant has not been reported in the literature in individuals affected with GRIN1-related conditions. ClinVar contains an entry for this variant (Variation ID: 649334). Variants that disrupt the consensus splice site are a relatively common cause of aberrant splicing (PMID: 17576681, 9536098). Algorithms developed to predict the effect of sequence changes on RNA splicing suggest that this variant is not likely to affect RNA splicing. In summary, the available evidence is currently insufficient to determine the role of this variant in disease. Therefore, it has been classified as a Variant of Uncertain Significance.

Ambry Genetics
Classification: Uncertain significance for Inborn genetic diseases. Last evaluated: 2018-09-30. Review status: criteria provided, single submitter. Criteria: Ambry Variant Classification Scheme 2023. Collection method: clinical testing. Allele origin: germline.
Comment: The c.1198-3C>T intronic variant results from a C to T substitution 3 nucleotides upstream from coding exon 9 in the GRIN1 gene. This nucleotide position is well conserved in available vertebrate species; however T is the reference amino acid in other vertebrate species. Using the BDGP and ESEfinder splice site prediction tools, this alteration is not predicted to have any significant effect on this splice acceptor site; however, direct evidence is unavailable. Since supporting evidence is limited at this time, the clinical significance of this alteration remains unclear.

PreventionGenetics, part of Exact Sciences
Classification: Likely benign for GRIN1-related condition. Last evaluated: 2024-06-03. Review status: no assertion criteria provided. Collection method: clinical testing. Allele origin: germline. Not counted in ClinVar's aggregate classification.
Comment: This variant is classified as likely benign based on ACMG/AMP sequence variant interpretation guidelines (Richards et al. 2015 PMID: 25741868, with internal and published modifications).

Literature cited by the submitters: PubMed 17576681 (cited by Labcorp Genetics (formerly Invitae), Labcorp); PubMed 9536098 (cited by Labcorp Genetics (formerly Invitae), Labcorp).

NM_007327.4(GRIN1):c.1198-3C>T

Gene: GRIN1 (glutamate ionotropic receptor NMDA type subunit 1; plus strand). Cytogenetic location: 9q34.3.
Variant type: single nucleotide variant.
Coding change: c.1198-3C>T on transcript NM_007327.4 (MANE Select); 3 bases into the intron before coding-DNA position 1198, C replaced by T.
Molecular consequence: intron variant.
Genome position (GRCh38, 1-based): chr9:137,161,053, C>T. VCF-style: chr9-137161053-C-T. GRCh37 (hg19) VCF-style: chr9-140055505-C-T.
Other names: c.1261-3C>T (NM_001185090.2, NM_001185091.2); c.1198-3C>T (NM_021569.4, NM_000832.7).
Identifiers: ClinVar variation 649334 (VCV000649334.10), dbSNP rs200368768, ClinGen allele CA5360868.